The following is an entry in ClinVar:

NC_000008.10:g.(?_145742976)_(145743168_?)dup

Gene: RECQL4 (RecQ like helicase 4; minus strand). Cytogenetic location: 8q24.3.
Variant type: Duplication.
Identifiers: ClinVar variation 1054322 (VCV001054322.5).

ClinVar aggregate classification (germline): Uncertain significance (1 of 4 stars; one submission).

Conditions:
Baller-Gerold syndrome (BGS). Also called: CRANIOSYNOSTOSIS WITH RADIAL DEFECTS. Identifiers: Orphanet 1225, MedGen C0265308, MONDO:0009039, OMIM 218600.

Submission:

Labcorp Genetics (formerly Invitae), Labcorp
Classification: Uncertain significance for Baller-Gerold syndrome. Last evaluated: 2022-09-03. Review status: criteria provided, single submitter. Criteria: Invitae Variant Classification Sherloc (09022015). Collection method: clinical testing. Allele origin: germline.
Comment: This variant results in a copy number gain of the genomic region encompassing exon(s) 1-2 of the RECQL4 gene. This region includes the initiator codon of the gene. This copy number gain extends beyond the assayed region for this gene and therefore may encompass additional genes. As the precise location of this event is unknown, it may be in tandem or it may be located elsewhere in the genome. This variant has not been reported in the literature in individuals affected with RECQL4-related conditions. In summary, the available evidence is currently insufficient to determine the role of this variant in disease. Therefore, it has been classified as a Variant of Uncertain Significance.